The following is an entry in ClinVar:

NM_001267550.2(TTN):c.75104G>A (p.Gly25035Glu)

Genes: TTN (titin; minus strand), TTN-AS1 (TTN antisense RNA 1; plus strand). Cytogenetic location: 2q31.2.
Variant type: single nucleotide variant.
Coding change: c.75104G>A on transcript NM_001267550.2 (MANE Select); coding-DNA position 75104, G replaced by A.
Protein change: p.Gly25035Glu; replaces glycine 25035 with glutamic acid.
Molecular consequence: missense variant.
Genome position (GRCh38, 1-based): chr2:178,571,028, C>T on the plus strand (G>A on the coding strand, the complement: TTN is on the minus strand). VCF-style: chr2-178571028-C-T. GRCh37 (hg19) VCF-style: chr2-179435755-C-T.
Other names: c.67400G>A, p.Gly22467Glu (NM_133378.4); c.70181G>A, p.Gly23394Glu (NM_001256850.1); c.47909G>A, p.Gly15970Glu (NM_003319.4); c.48284G>A, p.Gly16095Glu (NM_133432.3); c.48485G>A, p.Gly16162Glu (NM_133437.4); short protein forms G22467E, G25035E, G23394E, G15970E, G16095E, G16162E.
Identifiers: ClinVar variation 165837 (VCV000165837.5), dbSNP rs727503560, ClinGen allele CA178501.
Genomic context (GRCh38, chr2:178,571,028, plus strand): 5'-TTCATCCAACGGCCCTCAGGTAATTCTTTCTTCTCAACAATATAACCAGTGATCTTGCTT[C>T]CACCGTCATAGGTGGGTTTCTTCCACTGAAGAGTCACAGAATTCCTTGTGACAATGATTG-3'
Protein context (NP_001254479.2, residues 25025-25045): LQWKKPTYDG[Gly25035Glu]SKITGYIVEK

ClinVar aggregate classification (germline): Uncertain significance (1 of 4 stars; one submission).

Allele frequency attached by ClinVar (database versions not stated): gnomAD exomes below 0.00001 and 0.00001; ExAC 0.00001; TOPMed 0.00002.
gnomAD v4.1: 14 of 1,612,540 alleles (0.00087%); highest among the groups gnomAD compares: Non-Finnish European, 0.0012%; no homozygotes.

Submission:

Laboratory for Molecular Medicine, Mass General Brigham Personalized Medicine
Classification: Uncertain significance. Last evaluated: 2014-09-19. Review status: criteria provided, single submitter. Criteria: LMM Criteria. Collection method: clinical testing. Allele origin: germline. Observed: 1 variant allele.
Comment: The Gly22467Glu variant in TTN has not been previously reported in individuals w ith cardiomyopathy or in large population studies. Computational prediction tool s and conservation analysis do not provide strong support for or against an impa ct to the protein. In summary, the clinical significance of the Gly22467Glu vari ant is uncertain.